The following is an entry in ClinVar:

NM_007103.4(NDUFV1):c.511-94C>T

Gene: NDUFV1 (NADH:ubiquinone oxidoreductase core subunit V1; plus strand). Cytogenetic location: 11q13.2.
Variant type: single nucleotide variant.
Coding change: c.511-94C>T on transcript NM_007103.4 (MANE Select); 94 bases into the intron before coding-DNA position 511, C replaced by T.
Molecular consequence: intron variant.
Genome position (GRCh38, 1-based): chr11:67,610,287, C>T. VCF-style: chr11-67610287-C-T. GRCh37 (hg19) VCF-style: chr11-67377758-C-T.
Other names: c.484-94C>T (NM_001166102.2).
Identifiers: ClinVar variation 675482 (VCV000675482.2), dbSNP rs11227856, ClinGen allele CA224179943.

ClinVar aggregate classification (germline): Benign. Review status: criteria provided, multiple submitters, no conflicts (2 of 4 stars). 2 submissions from 2 submitters: Benign (2). Last evaluated 2018-06-16.

Allele frequency attached by ClinVar (database versions not stated): gnomAD exomes 0.00475; gnomAD 0.04647 and 0.05017; TOPMed 0.05169; 1000 Genomes Project 0.05252; 1000 Genomes Project 30x 0.05793.
gnomAD v4.1: 13,389 of 1,437,270 alleles (0.93%); highest among the groups gnomAD compares: African/African-American, 16%; 1,002 homozygotes.

Submissions (2):

GeneDx
Classification: Benign. Last evaluated: 2018-06-16. Review status: criteria provided, single submitter. Criteria: GeneDx Variant Classification (06012015). Collection method: clinical testing. Allele origin: germline. Affected: yes.
Comment: This variant is considered likely benign or benign based on one or more of the following criteria: it is a conservative change, it occurs at a poorly conserved position in the protein, it is predicted to be benign by multiple in silico algorithms, and/or has population frequency not consistent with disease.

Breakthrough Genomics
Classification: Benign. Review status: criteria provided, single submitter. Criteria: ACMG Guidelines, 2015. Collection method: not provided. Allele origin: germline. Inheritance: Autosomal recessive inheritance. Affected: yes.